The following is an entry in ClinVar:

NM_005732.4(RAD50):c.2966_2969del (p.Glu989fs)

Gene: RAD50 (RAD50 double strand break repair protein; plus strand). Cytogenetic location: 5q31.1.
Variant type: Deletion.
Coding change: c.2966_2969del on transcript NM_005732.4 (MANE Select); coding-DNA positions 2966 to 2969, 4 bases deleted (AATG; older notation c.2966_2969delAATG).
Protein change: p.Glu989fs; shifts the reading frame from glutamic acid 989.
Molecular consequence: frameshift variant.
Genome position (GRCh38, 1-based): chr5:132,609,326-132,609,329, AATG deleted; deleting any 4 consecutive bases within chr5:132,609,324-132,609,329 gives the same sequence; the c. name uses the placement nearest the transcript's 3' end. VCF-style (leftmost placement, unchanged base first): chr5-132609323-GTGAA-G. GRCh37 (hg19) VCF-style: chr5-131945015-GTGAA-G.
Other names: short protein forms E989fs.
Identifiers: ClinVar variation 2655695 (VCV002655695.24), dbSNP rs2479371629, ClinGen allele CA2675217865.
Genomic context (GRCh38, chr5:132,609,323, plus strand): 5'-AAGAATTTTCTTTTTTGTAGCAAAAAGAAACTGAACTTAATAAAGTAATAGCTCAACTAA[GTGAA>G]TGCGAGAAACACAAAGAAAAGATAAATGAAGATATGAGACTCATGAGACAAGATATTGAT-3'

ClinVar aggregate classification (germline): Uncertain significance (1 of 4 stars; one submission).

Submission:

CeGaT Center for Human Genetics Tuebingen
Classification: Uncertain significance. Last evaluated: 2022-09-01. Review status: criteria provided, single submitter. Criteria: CeGaT Center For Human Genetics Tuebingen Variant Classification Criteria Version 2. Collection method: clinical testing. Allele origin: germline. Affected: yes. Observed: 1 variant allele.
Comment: RAD50: PM2, PVS1:Moderate